The following is an entry in ClinVar:

ClinVar aggregate classification (germline): Benign (1 of 4 stars; one submission).

Allele frequency attached by ClinVar (database versions not stated): TOPMed 0.18160; gnomAD 0.18697; 1000 Genomes Project 0.21546; 1000 Genomes Project 30x 0.21783.
gnomAD v4.1: 27,760 of 152,066 alleles (18%); highest among the groups gnomAD compares: East Asian, 31%; 2,793 homozygotes.

Submission:

GeneDx
Classification: Benign. Last evaluated: 2018-06-14. Review status: criteria provided, single submitter. Criteria: GeneDx Variant Classification (06012015). Collection method: clinical testing. Allele origin: germline. Affected: yes.
Comment: This variant is considered likely benign or benign based on one or more of the following criteria: it is a conservative change, it occurs at a poorly conserved position in the protein, it is predicted to be benign by multiple in silico algorithms, and/or has population frequency not consistent with disease.

NM_033109.5(PNPT1):c.1285-227G>T

Gene: PNPT1 (polyribonucleotide nucleotidyltransferase 1; minus strand). Cytogenetic location: 2p16.1.
Variant type: single nucleotide variant.
Coding change: c.1285-227G>T on transcript NM_033109.5 (MANE Select); 227 bases into the intron before coding-DNA position 1285, G replaced by T.
Molecular consequence: intron variant.
Genome position (GRCh38, 1-based): chr2:55,656,598, C>A on the plus strand (G>T on the coding strand, the complement: PNPT1 is on the minus strand). VCF-style: chr2-55656598-C-A. GRCh37 (hg19) VCF-style: chr2-55883733-C-A.
Identifiers: ClinVar variation 671590 (VCV000671590.1), dbSNP rs17800203, ClinGen allele CA15161828.